The following is an entry in ClinVar:

NM_032977.4(CASP10):c.136T>G (p.Leu46Val)

Gene: CASP10 (caspase 10; plus strand). Cytogenetic location: 2q33.1.
Variant type: single nucleotide variant.
Coding change: c.136T>G on transcript NM_032977.4 (MANE Select); coding-DNA position 136, T replaced by G.
Protein change: p.Leu46Val; replaces leucine 46 with valine.
Molecular consequence: missense variant.
Genome position (GRCh38, 1-based): chr2:201,185,913, T>G. VCF-style: chr2-201185913-T-G. GRCh37 (hg19) VCF-style: chr2-202050636-T-G.
Other names: c.136T>G, p.Leu46Val (NM_001206524.2, NM_001206542.2, NM_001230.5 and 3 more transcripts); short protein forms L46V.
Identifiers: ClinVar variation 854034 (VCV000854034.50), dbSNP rs1047225163, ClinGen allele CA63899737.

ClinVar aggregate classification (germline): Uncertain significance (1 of 4 stars; one submission).

Conditions:
Autoimmune lymphoproliferative syndrome type 2A (ALPS2A). Also called: AUTOIMMUNE LYMPHOPROLIFERATIVE SYNDROME, TYPE IIA; Autoimmune lymphoproliferative syndrome type 2; CASP10-Related Autoimmune Lymphoproliferative Syndrome. Identifiers: Orphanet 3261, MedGen C1858968, MONDO:0011383, OMIM 603909.

Allele frequency attached by ClinVar (database versions not stated): gnomAD exomes below 0.00001.
gnomAD v4.1: 1 of 1,614,170 alleles (0.000062%); highest among the groups gnomAD compares: Non-Finnish European, 0.000085%; no homozygotes.

Submission:

Labcorp Genetics (formerly Invitae), Labcorp
Classification: Uncertain significance for Autoimmune lymphoproliferative syndrome type 2A. Last evaluated: 2019-12-22. Review status: criteria provided, single submitter. Criteria: Invitae Variant Classification Sherloc (09022015). Collection method: clinical testing. Allele origin: germline.
Comment: This variant has not been reported in the literature in individuals with CASP10-related conditions. In summary, the available evidence is currently insufficient to determine the role of this variant in disease. Therefore, it has been classified as a Variant of Uncertain Significance. Algorithms developed to predict the effect of missense changes on protein structure and function (SIFT, PolyPhen-2, Align-GVGD) all suggest that this variant is likely to be tolerated, but these predictions have not been confirmed by published functional studies and their clinical significance is uncertain. This variant is not present in population databases (ExAC no frequency). This sequence change replaces leucine with valine at codon 46 of the CASP10 protein (p.Leu46Val). The leucine residue is weakly conserved and there is a small physicochemical difference between leucine and valine.